The following is an entry in ClinVar:

NM_000038.6(APC):c.2901C>T (p.Val967=)

Gene: APC (APC regulator of Wnt signaling pathway; plus strand). Cytogenetic location: 5q22.2.
Variant type: single nucleotide variant.
Coding change: c.2901C>T on transcript NM_000038.6 (MANE Select); coding-DNA position 2901, C replaced by T.
Protein change: p.Val967=; no amino-acid change (valine 967 retained).
Molecular consequence: synonymous variant. On other transcripts: non-coding transcript variant (2).
Genome position (GRCh38, 1-based): chr5:112,838,495, C>T. VCF-style: chr5-112838495-C-T. GRCh37 (hg19) VCF-style: chr5-112174192-C-T.
Other names: c.2901C>T, p.Val967= (NM_001127510.3, NM_001354895.2, NM_001407450.1); c.2847C>T, p.Val949= (NM_001127511.3); c.2955C>T, p.Val985= (NM_001354896.2, NM_001407447.1, NM_001407448.1 and 1 more transcripts); c.2931C>T, p.Val977= (NM_001354897.2); c.2826C>T, p.Val942= (NM_001354898.2); c.2817C>T, p.Val939= (NM_001354899.2); c.2778C>T, p.Val926= (NM_001354900.2); c.2724C>T, p.Val908= (NM_001354901.2, NM_001407453.1); and 11 more.
Identifiers: ClinVar variation 1797463 (VCV001797463.2), dbSNP rs1060504876, ClinGen allele CA445963061.

ClinVar aggregate classification (germline): Benign/Likely benign. Review status: criteria provided, multiple submitters, no conflicts (2 of 4 stars). 2 submissions from 2 submitters: Benign (1); Likely benign (1). Last evaluated 2024-03-15.

Conditions:
Hereditary cancer-predisposing syndrome. Also called: Neoplastic Syndromes, Hereditary; Tumor predisposition; Hereditary Cancer Syndrome; Hereditary neoplastic syndrome. Identifiers: Orphanet 140162, MedGen C0027672, MeSH D009386, MONDO:0015356.
Familial adenomatous polyposis 1 (FAP1). Also called: POLYPOSIS, ADENOMATOUS INTESTINAL; FAMILIAL ADENOMATOUS POLYPOSIS 1, ATTENUATED. Identifiers: MedGen C2713442, MONDO:0021056, OMIM 175100. Disease mechanism: loss of function.

Submissions (2):

Myriad Genetics, Inc.
Classification: Benign for Familial adenomatous polyposis 1. Last evaluated: 2024-03-15. Review status: criteria provided, single submitter. Criteria: Myriad Autosomal Dominant, Autosomal Recessive and X-Linked Classification Criteria (2023). Collection method: clinical testing. Allele origin: unknown.
Comment: This variant is considered benign. This variant is a silent/synonymous amino acid change and it is not expected to impact splicing.

Ambry Genetics
Classification: Likely benign for Hereditary cancer-predisposing syndrome. Last evaluated: 2019-12-22. Review status: criteria provided, single submitter. Criteria: Ambry Variant Classification Scheme 2023. Collection method: clinical testing. Allele origin: germline.